The following is an entry in ClinVar:

NM_199355.4(ADAMTS18):c.1332G>A (p.Met444Ile)

Gene: ADAMTS18 (ADAM metallopeptidase with thrombospondin type 1 motif 18; minus strand). Cytogenetic location: 16q23.1.
Variant type: single nucleotide variant.
Coding change: c.1332G>A on transcript NM_199355.4 (MANE Select); coding-DNA position 1332, G replaced by A.
Protein change: p.Met444Ile; replaces methionine 444 with isoleucine.
Molecular consequence: missense variant.
Genome position (GRCh38, 1-based): chr16:77,356,068, C>T on the plus strand (G>A on the coding strand, the complement: ADAMTS18 is on the minus strand). VCF-style: chr16-77356068-C-T. GRCh37 (hg19) VCF-style: chr16-77389965-C-T.
Other names: c.816G>A, p.Met272Ile (NM_001326358.2); short protein forms M444I, M272I.
Identifiers: ClinVar variation 971013 (VCV000971013.6), dbSNP rs762008858, ClinGen allele CA8181350.
Genomic context (GRCh38, chr16:77,356,068, plus strand): 5'-TGTGGGAGACATGATATTGCCTTCAGCCTTTCTGCAGGGATTCCCTTCTCCATCGTGAAT[C>T]ATACCAAAGCTGAAACAGAATGAAGAAAACAAAATCCTGCTTTGTGAACCCATTTTTTTG-3'
Protein context (NP_955387.1, residues 434-454): IAHESGHNFG[Met444Ile]IHDGEGNPCR

ClinVar aggregate classification (germline): Uncertain significance (1 of 4 stars; one submission).

Allele frequency attached by ClinVar (database versions not stated): gnomAD exomes below 0.00001; TOPMed below 0.00001; ExAC 0.00001.
gnomAD v4.1: 1 of 1,614,022 alleles (0.000062%); highest among the groups gnomAD compares: Non-Finnish European, 0.000085%; no homozygotes.

Submission:

Labcorp Genetics (formerly Invitae), Labcorp
Classification: Uncertain significance. Last evaluated: 2019-10-13. Review status: criteria provided, single submitter. Criteria: Invitae Variant Classification Sherloc (09022015). Collection method: clinical testing. Allele origin: germline.
Comment: This sequence change replaces methionine with isoleucine at codon 444 of the ADAMTS18 protein (p.Met444Ile). The methionine residue is highly conserved and there is a small physicochemical difference between methionine and isoleucine. This variant is present in population databases (rs762008858, ExAC 0.01%). This variant has not been reported in the literature in individuals with ADAMTS18-related conditions. Algorithms developed to predict the effect of missense changes on protein structure and function are either unavailable or do not agree on the potential impact of this missense change (SIFT: "Deleterious"; PolyPhen-2: "Probably Damaging"; Align-GVGD: "Class C0"). In summary, the available evidence is currently insufficient to determine the role of this variant in disease. Therefore, it has been classified as a Variant of Uncertain Significance.